The following is an entry in ClinVar:

ClinVar aggregate classification (germline): Uncertain significance (1 of 4 stars; one submission).

Conditions:
Left ventricular noncompaction 8 (LVNC8). Identifiers: Orphanet 154, Orphanet 54260, MedGen C3809288, MONDO:0014152, OMIM 615373.

gnomAD v4.1: 10 of 1,591,602 alleles (0.00063%); highest among the groups gnomAD compares: South Asian, 0.0011%; no homozygotes.

Submission:

Labcorp Genetics (formerly Invitae), Labcorp
Classification: Uncertain significance for Left ventricular noncompaction 8. Last evaluated: 2019-04-17. Review status: criteria provided, single submitter. Criteria: Invitae Variant Classification Sherloc (09022015). Collection method: clinical testing. Allele origin: germline.
Comment: This sequence change replaces valine with methionine at codon 220 of the PRDM16 protein (p.Val220Met). The valine residue is weakly conserved and there is a small physicochemical difference between valine and methionine. This variant is not present in population databases (ExAC no frequency). This variant has not been reported in the literature in individuals with PRDM16-related conditions. Algorithms developed to predict the effect of missense changes on protein structure and function output the following: SIFT: "Tolerated"; PolyPhen-2: "Benign"; Align-GVGD: "Class C0". The methionine amino acid residue is found in multiple mammalian species, suggesting that this missense change does not adversely affect protein function. These predictions have not been confirmed by published functional studies and their clinical significance is uncertain. In summary, the available evidence is currently insufficient to determine the role of this variant in disease. Therefore, it has been classified as a Variant of Uncertain Significance.

NM_022114.4(PRDM16):c.658G>A (p.Val220Met)

Gene: PRDM16 (PR/SET domain 16; plus strand). Cytogenetic location: 1p36.32.
Variant type: single nucleotide variant.
Coding change: c.658G>A on transcript NM_022114.4 (MANE Select); coding-DNA position 658, G replaced by A.
Protein change: p.Val220Met; replaces valine 220 with methionine.
Molecular consequence: missense variant.
Genome position (GRCh38, 1-based): chr1:3,396,575, G>A. VCF-style: chr1-3396575-G-A. GRCh37 (hg19) VCF-style: chr1-3313139-G-A.
Other names: c.658G>A, p.Val220Met (NM_199454.3); short protein forms V220M.
Identifiers: ClinVar variation 860586 (VCV000860586.9), dbSNP rs746597198, ClinGen allele CA338002044.
Genomic context (GRCh38, chr1:3,396,575, plus strand): 5'-ATTGAGCCAGGTGAGGAGCTGCTGGTGCACGTGAAGGAAGGCGTCTACCCCCTGGGCACA[G>A]TGCCGCCCGGCCTGGACGGTAAGACCCCTCCCCCAAACCGGGCCACGGCCCCTGGGAGCC-3'
Protein context (NP_071397.3, residues 210-230): VKEGVYPLGT[Val220Met]PPGLDEEPTF